The following is an entry in ClinVar:

NM_002454.3(MTRR):c.1035A>G (p.Ile345Met)

Gene: MTRR (5-methyltetrahydrofolate-homocysteine methyltransferase reductase; plus strand). Cytogenetic location: 5p15.31.
Variant type: single nucleotide variant.
Coding change: c.1035A>G on transcript NM_002454.3 (MANE Select); coding-DNA position 1035, A replaced by G.
Protein change: p.Ile345Met; replaces isoleucine 345 with methionine.
Molecular consequence: missense variant. On other transcripts: non-coding transcript variant (14).
Genome position (GRCh38, 1-based): chr5:7,885,832, A>G. VCF-style: chr5-7885832-A-G. GRCh37 (hg19) VCF-style: chr5-7885945-A-G.
Other names: c.1035A>G, p.Ile345Met (NM_001364440.2, NM_001364441.2, NM_001364442.2 and 1 more transcripts); short protein forms I345M.
Identifiers: ClinVar variation 659491 (VCV000659491.32), dbSNP rs140944718, ClinGen allele CA3195789.
Genomic context (GRCh38, chr5:7,885,832, plus strand): 5'-AAGCCTACTCCAAAGACTGCAGCTTGAAGATAAAAGAGAGCACTGCGTCCTTTTGAAAAT[A>G]AAGGCAGACACAAAGAAGAAAGGTAACAGCCCTGATGCTGTGACGTTGGGGTGTTGTGGG-3'
Protein context (NP_002445.2, residues 335-355): DKREHCVLLK[Ile345Met]KADTKKKGAT

ClinVar aggregate classification (germline): Conflicting classifications of pathogenicity. Review status: criteria provided, conflicting classifications (1 of 4 stars). 5 submissions from 5 submitters: Uncertain significance (2); Likely benign (2). 1 of the submissions does not count toward it. Last evaluated 2025-06-07.

Conditions:
Methylcobalamin deficiency type cblE (HMAE). Also called: HOMOCYSTINURIA-MEGALOBLASTIC ANEMIA, cblE COMPLEMENTATION TYPE; VITAMIN B12-RESPONSIVE HOMOCYSTINURIA, cblE TYPE; HOMOCYSTINURIA-MEGALOBLASTIC ANEMIA, cblE TYPE. Identifiers: Orphanet 2169, Orphanet 622, MedGen C1856057, MONDO:0009354, OMIM 236270.
Inborn genetic diseases. Identifiers: MedGen C0950123, MeSH D030342.

Allele frequency attached by ClinVar (database versions not stated): TOPMed 0.00003; ESP Exome Variant Server 0.00008; gnomAD exomes 0.00008 and 0.00015; ExAC 0.00018; gnomAD 0.00001.
gnomAD v4.1: 131 of 1,614,046 alleles (0.0081%); highest among the groups gnomAD compares: South Asian, 0.052%; 3 homozygotes.

Submissions (5):

Ambry Genetics
Classification: Uncertain significance for Inborn genetic diseases. Last evaluated: 2025-06-07. Review status: criteria provided, single submitter. Criteria: Ambry Variant Classification Scheme 2023. Collection method: clinical testing. Allele origin: germline.

Blueprint Genetics
Classification: Likely benign. Last evaluated: 2024-11-25. Review status: criteria provided, single submitter. Criteria: ACMG Guidelines, 2015. Collection method: clinical testing. Allele origin: germline.

Labcorp Genetics (formerly Invitae), Labcorp
Classification: Uncertain significance for Methylcobalamin deficiency type cblE. Last evaluated: 2024-11-05. Review status: criteria provided, single submitter. Criteria: Invitae Variant Classification Sherloc (09022015). Collection method: clinical testing. Allele origin: germline.
Comment: This sequence change replaces isoleucine, which is neutral and non-polar, with methionine, which is neutral and non-polar, at codon 345 of the MTRR protein (p.Ile345Met). This variant is present in population databases (rs140944718, gnomAD 0.06%). This variant has not been reported in the literature in individuals affected with MTRR-related conditions. ClinVar contains an entry for this variant (Variation ID: 659491). Invitae Evidence Modeling of protein sequence and biophysical properties (such as structural, functional, and spatial information, amino acid conservation, physicochemical variation, residue mobility, and thermodynamic stability) indicates that this missense variant is not expected to disrupt MTRR protein function with a negative predictive value of 80%. In summary, the available evidence is currently insufficient to determine the role of this variant in disease. Therefore, it has been classified as a Variant of Uncertain Significance.

CeGaT Center for Human Genetics Tuebingen
Classification: Likely benign. Last evaluated: 2023-09-01. Review status: criteria provided, single submitter. Criteria: CeGaT Center For Human Genetics Tuebingen Variant Classification Criteria Version 2. Collection method: clinical testing. Allele origin: germline. Affected: yes. Observed: 1 variant allele.
Comment: MTRR: BP4

Natera, Inc.
Classification: Uncertain significance for CblE complementation type homocystinuria-megaloblastic anemia due to defect in cobalamin metabolism. Last evaluated: 2020-03-11. Review status: no assertion criteria provided. Collection method: clinical testing. Allele origin: germline. Not counted in ClinVar's aggregate classification.